The following is an entry in ClinVar:

NM_024642.5(GALNT12):c.295C>T (p.Arg99Trp)

Gene: GALNT12 (polypeptide N-acetylgalactosaminyltransferase 12; plus strand). Cytogenetic location: 9q22.33.
Variant type: single nucleotide variant.
Coding change: c.295C>T on transcript NM_024642.5 (MANE Select); coding-DNA position 295, C replaced by T.
Protein change: p.Arg99Trp; replaces arginine 99 with tryptophan.
Molecular consequence: missense variant.
Genome position (GRCh38, 1-based): chr9:98,807,993, C>T. VCF-style: chr9-98807993-C-T. GRCh37 (hg19) VCF-style: chr9-101570275-C-T.
Other names: short protein forms R99W.
Identifiers: ClinVar variation 2472990 (VCV002472990.2), dbSNP rs1196452591, ClinGen allele CA374222827.

ClinVar aggregate classification (germline): Uncertain significance (1 of 4 stars; one submission).

Submission:

Ambry Genetics
Classification: Uncertain significance. Last evaluated: 2022-12-26. Review status: criteria provided, single submitter. Criteria: Ambry Variant Classification Scheme 2023. Collection method: clinical testing. Allele origin: germline.
Comment: The p.R99W variant (also known as c.295C>T), located in coding exon 1 of the GALNT12 gene, results from a C to T substitution at nucleotide position 295. The arginine at codon 99 is replaced by tryptophan, an amino acid with dissimilar properties. This amino acid position is conserved. In addition, this alteration is predicted to be tolerated by in silico analysis. Since supporting evidence is limited at this time, the clinical significance of this alteration remains unclear.